The following is an entry in ClinVar:

ClinVar aggregate classification (germline): Benign. Review status: criteria provided, multiple submitters, no conflicts (2 of 4 stars). 2 submissions from 2 submitters: Benign (2). Last evaluated 2018-01-12.

Conditions:
Bilateral frontoparietal polymicrogyria. Also called: CEREBELLAR ATAXIA WITH NEURONAL MIGRATION DEFECT; CORTICAL DYSPLASIA, COMPLEX, WITH OTHER BRAIN MALFORMATIONS 14A (BILATERAL FRONTOPARIETAL). Identifiers: Orphanet 101070, MedGen C1847352, MONDO:0011738, OMIM 606854.

Allele frequency attached by ClinVar (database versions not stated): gnomAD exomes 0.52941; gnomAD 0.56900 and 0.57362; TOPMed 0.59548; 1000 Genomes Project 30x 0.64491; 1000 Genomes Project 0.64617.
gnomAD v4.1: 87,175 of 152,254 alleles (57%); highest among the groups gnomAD compares: East Asian, 74%; 25,575 homozygotes.

Submissions (2):

Illumina Laboratory Services, Illumina
Classification: Benign for Bilateral frontoparietal polymicrogyria. Last evaluated: 2018-01-12. Review status: criteria provided, single submitter. Criteria: ICSL Variant Classification Criteria 13 December 2019. Collection method: clinical testing. Allele origin: germline.
Comment: This variant was observed in the ICSL laboratory as part of a predisposition screen in an ostensibly healthy population. It had not been previously curated by ICSL or reported in the Human Gene Mutation Database (HGMD: prior to June 1st, 2018), and was therefore a candidate for classification through an automated scoring system. Utilizing variant allele frequency, disease prevalence and penetrance estimates, and inheritance mode, an automated score was calculated to assess if this variant is too frequent to cause the disease. Based on the score and internal cut-off values, a variant classified as benign is not then subjected to further curation. The score for this variant resulted in a classification of benign for this disease.

Breakthrough Genomics
Classification: Benign. Review status: criteria provided, single submitter. Criteria: ACMG Guidelines, 2015. Collection method: not provided. Allele origin: germline. Inheritance: Autosomal recessive inheritance. Affected: yes.

NM_201525.4(ADGRG1):c.*1007G>A

Gene: ADGRG1 (adhesion G protein-coupled receptor G1; plus strand). Cytogenetic location: 16q21.
Variant type: single nucleotide variant.
Coding change: c.*1007G>A on transcript NM_201525.4 (MANE Select); 1007 bases downstream of the stop codon, G replaced by A.
Molecular consequence: 3 prime UTR variant.
Genome position (GRCh38, 1-based): chr16:57,664,589, G>A. VCF-style: chr16-57664589-G-A. GRCh37 (hg19) VCF-style: chr16-57698501-G-A.
Other names: c.*1007G>A (NM_001145770.3, NM_001145771.3, NM_001145772.3 and 25 more transcripts).
Identifiers: ClinVar variation 885055 (VCV000885055.5), dbSNP rs1043540, ClinGen allele CA14248058.